The following is an entry in ClinVar:

NM_020822.3(KCNT1):c.434+19C>T

Gene: KCNT1 (potassium sodium-activated channel subfamily T member 1; plus strand). Cytogenetic location: 9q34.3.
Variant type: single nucleotide variant.
Coding change: c.434+19C>T on transcript NM_020822.3 (MANE Select); 19 bases into the intron after coding-DNA position 434, C replaced by T.
Molecular consequence: intron variant.
Genome position (GRCh38, 1-based): chr9:135,751,060, C>T. VCF-style: chr9-135751060-C-T. GRCh37 (hg19) VCF-style: chr9-138642906-C-T.
Other names: c.290+19C>T (NM_001272003.2).
Identifiers: ClinVar variation 511429 (VCV000511429.11), dbSNP rs772750955, ClinGen allele CA5326413.
Genomic context (GRCh38, chr9:135,751,060, plus strand): 5'-TGTGCGCGTCCTGCTCGATGACCCGGCCCTGGGCATCGGATGGTGGGCCACGTGCGCGGC[C>T]GGGCGCGGGGTCCCGGGTCCCAGGGCTGAGCCTTCCCACTGGGCCGTTACAGAAGCTGAT-3'

ClinVar aggregate classification (germline): Likely benign. Review status: criteria provided, multiple submitters, no conflicts (2 of 4 stars). 5 submissions from 4 submitters: Likely benign (5). Last evaluated 2026-02-02.

Conditions:
Developmental and epileptic encephalopathy, 14 (DEE14). Also called: Early infantile epileptic encephalopathy 14. Identifiers: Orphanet 293181, MedGen C3554195, MONDO:0013989, OMIM 614959.
Autosomal dominant nocturnal frontal lobe epilepsy 5. Also called: Epilepsy, nocturnal frontal lobe, 5; KCNT1-Related Epilepsy; CILIARY DYSKINESIA, PRIMARY, 28, WITHOUT SITUS INVERSUS; CILIARY DYSKINESIA, PRIMARY, 28, WITH SITUS INVERSUS. Identifiers: Orphanet 98784, MedGen C3554306, MONDO:0014002, OMIM 615005.

Allele frequency attached by ClinVar (database versions not stated): gnomAD 0.00001; TOPMed 0.00001; gnomAD exomes 0.00002; ExAC 0.00003.
gnomAD v4.1: 24 of 1,603,020 alleles (0.0015%); highest among the groups gnomAD compares: Middle Eastern, 0.017%; no homozygotes.

Submissions (5):

Labcorp Genetics (formerly Invitae), Labcorp
Classification: Likely benign for Autosomal dominant nocturnal frontal lobe epilepsy 5; Developmental and epileptic encephalopathy, 14. Last evaluated: 2026-02-02. Review status: criteria provided, single submitter. Criteria: Invitae Variant Classification Sherloc (09022015). Collection method: clinical testing. Allele origin: germline.

Blueprint Genetics
Classification: Likely benign. Last evaluated: 2024-04-15. Review status: criteria provided, single submitter. Criteria: ACMG Guidelines, 2015. Collection method: clinical testing. Allele origin: germline.

Genome-Nilou Lab
Classification: Likely benign for Developmental and epileptic encephalopathy, 14. Last evaluated: 2022-03-15. Review status: criteria provided, single submitter. Criteria: ACMG Guidelines, 2015. Collection method: clinical testing. Allele origin: germline. Affected: no.

Genome-Nilou Lab
Classification: Likely benign for Autosomal dominant nocturnal frontal lobe epilepsy 5. Last evaluated: 2022-03-15. Review status: criteria provided, single submitter. Criteria: ACMG Guidelines, 2015. Collection method: clinical testing. Allele origin: germline. Affected: no.

GeneDx
Classification: Likely benign. Last evaluated: 2017-08-15. Review status: criteria provided, single submitter. Criteria: GeneDx Variant Classification (06012015). Collection method: clinical testing. Allele origin: germline. Affected: yes.
Comment: This variant is considered likely benign or benign based on one or more of the following criteria: it is a conservative change, it occurs at a poorly conserved position in the protein, it is predicted to be benign by multiple in silico algorithms, and/or has population frequency not consistent with disease.